The following is an entry in ClinVar:

ClinVar aggregate classification (germline): Pathogenic. Review status: criteria provided, multiple submitters, no conflicts (2 of 4 stars). 2 submissions from 2 submitters: Pathogenic (2). Last evaluated 2023-07-16.

Conditions:
Hermansky-Pudlak syndrome (HPS). Also called: ALBINISM WITH HEMORRHAGIC DIATHESIS AND PIGMENTED RETICULOENDOTHELIAL CELLS. Identifiers: Orphanet 79430, MedGen C0079504, MONDO:0019312.

Submissions (2):

Labcorp Genetics (formerly Invitae), Labcorp
Classification: Pathogenic. Last evaluated: 2023-07-16. Review status: criteria provided, single submitter. Criteria: Invitae Variant Classification Sherloc (09022015). Collection method: clinical testing. Allele origin: germline.
Comment: For these reasons, this variant has been classified as Pathogenic. ClinVar contains an entry for this variant (Variation ID: 627049). This variant has not been reported in the literature in individuals affected with HPS3-related conditions. This variant is not present in population databases (gnomAD no frequency). This sequence change creates a premature translational stop signal (p.Leu939Thrfs*4) in the HPS3 gene. It is expected to result in an absent or disrupted protein product. Loss-of-function variants in HPS3 are known to be pathogenic (PMID: 11590544).

NIHR Bioresource Rare Diseases, University of Cambridge
Classification: Pathogenic for Hermansky-Pudlak syndrome. Last evaluated: 2019-02-01. Review status: criteria provided, single submitter. Criteria: ACMG Guidelines, 2015. Collection method: research. Allele origin: unknown. Affected: yes. Observed: 1 compound heterozygote. Study: ThromboGenomics.

Literature cited by the submitters: PubMed 11590544 (cited by Labcorp Genetics (formerly Invitae), Labcorp); PubMed 31064749 (cited by NIHR Bioresource Rare Diseases, University of Cambridge).

NM_032383.5(HPS3):c.2814dup (p.Leu939fs)

Genes: CP (ceruloplasmin; minus strand), HPS3 (HPS3 biogenesis of lysosomal organelles complex 2 subunit 1; plus strand). Cytogenetic location: 3q24.
Variant type: Duplication.
Coding change: c.2814dup on transcript NM_032383.5 (MANE Select); coding-DNA position 2814, one base duplicated (A; older notation c.2814dupA).
Protein change: p.Leu939fs; shifts the reading frame from leucine 939.
Molecular consequence: frameshift variant.
Genome position (GRCh38, 1-based): chr3:149,167,910, A duplicated; the last of 6 consecutive A bases (chr3:149,167,905-149,167,910); duplicating any one gives the same sequence. VCF-style (leftmost placement, unchanged base first): chr3-149167904-G-GA. GRCh37 (hg19) VCF-style: chr3-148885691-G-GA.
Other names: c.2319dup, p.Leu774fs (NM_001308258.2); short protein forms L774fs, L939fs.
Identifiers: ClinVar variation 627049 (VCV000627049.4), dbSNP rs1576708708, ClinGen allele CA915941607.